The following is an entry in ClinVar:

ClinVar aggregate classification (germline): Uncertain significance. Review status: criteria provided, single submitter (1 of 4 stars). 2 submissions from 2 submitters: Uncertain significance (1). 1 of the submissions does not count toward it. Last evaluated 2026-02-04.

Conditions:
Hereditary insensitivity to pain with anhidrosis (CIPA). Also called: INSENSITIVITY TO PAIN, CONGENITAL, WITH ANHIDROSIS; HSAN Type IV; hereditary sensory and autonomic neuropathy type 4; NTRK1 Congenital Insensitivity to Pain with Anhidrosis; FAMILIAL DYSAUTONOMIA, TYPE II; NEUROPATHY, CONGENITAL SENSORY, WITH ANHIDROSIS. Identifiers: Orphanet 642, MedGen C0020074, MONDO:0009746, OMIM 256800.

Allele frequency attached by ClinVar (database versions not stated): ExAC 0.00002; gnomAD exomes 0.00002.
gnomAD v4.1: 6 of 1,610,584 alleles (0.00037%); highest among the groups gnomAD compares: Admixed American, 0.0083%; no homozygotes.

Submissions (2):

Labcorp Genetics (formerly Invitae), Labcorp
Classification: Uncertain significance for Hereditary insensitivity to pain with anhidrosis. Last evaluated: 2026-02-04. Review status: criteria provided, single submitter. Criteria: Invitae Variant Classification Sherloc (09022015). Collection method: clinical testing. Allele origin: germline.
Comment: This sequence change replaces cysteine, which is neutral and slightly polar, with tyrosine, which is neutral and polar, at codon 300 of the NTRK1 protein (p.Cys300Tyr). This variant is present in population databases (rs754703492, gnomAD 0.01%). This variant has not been reported in the literature in individuals affected with NTRK1-related conditions. ClinVar contains an entry for this variant (Variation ID: 848302). Invitae Evidence Modeling of protein sequence and biophysical properties (such as structural, functional, and spatial information, amino acid conservation, physicochemical variation, residue mobility, and thermodynamic stability) indicates that this missense variant is expected to disrupt NTRK1 protein function with a positive predictive value of 95%. In summary, the available evidence is currently insufficient to determine the role of this variant in disease. Therefore, it has been classified as a Variant of Uncertain Significance.

Natera, Inc.
Classification: Uncertain significance for Hereditary insensitivity to pain with anhidrosis. Last evaluated: 2020-03-10. Review status: no assertion criteria provided. Collection method: clinical testing. Allele origin: germline. Not counted in ClinVar's aggregate classification.

NM_002529.4(NTRK1):c.899G>A (p.Cys300Tyr)

Gene: NTRK1 (neurotrophic receptor tyrosine kinase 1; plus strand). Cytogenetic location: 1q23.1.
Variant type: single nucleotide variant.
Coding change: c.899G>A on transcript NM_002529.4 (MANE Select); coding-DNA position 899, G replaced by A.
Protein change: p.Cys300Tyr; replaces cysteine 300 with tyrosine.
Molecular consequence: missense variant.
Genome position (GRCh38, 1-based): chr1:156,873,681, G>A. VCF-style: chr1-156873681-G-A. GRCh37 (hg19) VCF-style: chr1-156843473-G-A.
Other names: c.809G>A, p.Cys270Tyr (NM_001007792.1); c.899G>A, p.Cys300Tyr (NM_001012331.2); short protein forms C270Y, C300Y.
Identifiers: ClinVar variation 848302 (VCV000848302.9), dbSNP rs754703492, ClinGen allele CA1169140.